The following is an entry in ClinVar:

ClinVar aggregate classification (germline): Conflicting classifications of pathogenicity. Review status: criteria provided, conflicting classifications (1 of 4 stars). 2 submissions from 2 submitters: Likely pathogenic (1); Uncertain significance (1). Last evaluated 2026-04-17.

Conditions:
Wiedemann-Steiner syndrome (WDSTS). Also called: Growth deficiency and mental retardation with facial dysmorphism. Identifiers: Orphanet 319182, MedGen C1854630, MONDO:0011518, OMIM 605130.

Submissions (2):

GeneDx
Classification: Uncertain significance. Last evaluated: 2026-04-17. Review status: criteria provided, single submitter. Criteria: GeneDx Variant Classification Process June 2021. Collection method: clinical testing. Allele origin: germline.
Comment: Not observed at significant frequency in large population cohorts (gnomAD); In silico analysis supports that this missense variant has a deleterious effect on protein structure/function; Has not been previously published as pathogenic or benign to our knowledge

Victorian Clinical Genetics Services, Murdoch Childrens Research Institute
Classification: Likely pathogenic for Wiedemann-Steiner syndrome. Last evaluated: 2019-08-28. Review status: criteria provided, single submitter. Criteria: ACMG Guidelines, 2015. Collection method: clinical testing. Allele origin: germline. Inheritance: Autosomal dominant inheritance. Affected: yes.
Comment: A heterozygous missense variant, NM_001197104.1(KMT2A):c.4301G>T, has been identified in exon 10 of 36 of the KMT2A gene. The variant is predicted to result in a major amino acid change from a cysteine to a phenylalanine at position 1434 of the protein, NP_001184033.1(KMT2A):p.(Cys1434Phe). The cysteine residue at this position has very high conservation (100 vertebrates, UCSC), and is located within a zinc-binding site at the PHD-type 1 zinc finger functional domain. Additionally, comparative homology studies with other PHD zinc finger proteins has previously mapped this residue to the location of a known de novo mutation in DPF2 associated with Coffin-Siris syndrome (Vasileiou, G., et al. (2018). In silico predictions for this variant are consistently pathogenic (Polyphen, SIFT, CADD, Mutation Taster). The variant is absent in population databases (gnomAD, dbSNP, 1000G). This variant has not been previously reported in clinical cases. However, a different variant in the same codon resulting in a change to a serine, p.(Cys1434Ser) has previously been reported as likely pathogenic (ClinVar, Decipher). Based on the information available at the time of curation, this variant has been classified as LIKELY PATHOGENIC.

NM_001197104.2(KMT2A):c.4301G>T (p.Cys1434Phe)

Gene: KMT2A (lysine methyltransferase 2A; plus strand). Cytogenetic location: 11q23.3.
Variant type: single nucleotide variant.
Coding change: c.4301G>T on transcript NM_001197104.2 (MANE Select); coding-DNA position 4301, G replaced by T.
Protein change: p.Cys1434Phe; replaces cysteine 1434 with phenylalanine.
Molecular consequence: missense variant.
Genome position (GRCh38, 1-based): chr11:118,484,944, G>T. VCF-style: chr11-118484944-G-T. GRCh37 (hg19) VCF-style: chr11-118355659-G-T.
Other names: c.4400G>T, p.Cys1467Phe (NM_001412597.1); c.4301G>T, p.Cys1434Phe (NM_005933.4); short protein forms C1434F, C1467F.
Identifiers: ClinVar variation 1805353 (VCV001805353.2), dbSNP rs1131691287, ClinGen allele CA382830961.